The following is an entry in ClinVar:

ClinVar aggregate classification (germline): Uncertain significance. Review status: criteria provided, multiple submitters, no conflicts (2 of 4 stars). 3 submissions from 3 submitters: Uncertain significance (2). 1 of the submissions does not count toward it. Last evaluated 2026-08-31.

Conditions:
Hereditary cancer-predisposing syndrome. Also called: Hereditary neoplastic syndrome; Neoplastic Syndromes, Hereditary; Tumor predisposition; Hereditary Cancer Syndrome. Identifiers: Orphanet 140162, MedGen C0027672, MeSH D009386, MONDO:0015356.
EGFR-related lung cancer (EGFR). Identifiers: MedGen CN130014.

Submissions (3):

Ambry Genetics
Classification: Uncertain significance for Hereditary cancer-predisposing syndrome. Last evaluated: 2026-08-31. Review status: criteria provided, single submitter. Criteria: Ambry Variant Classification Scheme 2023. Collection method: clinical testing. Allele origin: germline.
Comment: The p.A859S variant (also known as c.2575G>T), located in coding exon 21 of the EGFR gene, results from a G to T substitution at nucleotide position 2575. The alanine at codon 859 is replaced by serine, an amino acid with similar properties. This amino acid position is highly conserved in available vertebrate species. In addition, the in silico prediction for this alteration is inconclusive. Based on the available evidence, the clinical significance of this variant remains unclear.

Labcorp Genetics (formerly Invitae), Labcorp
Classification: Uncertain significance for EGFR-related lung cancer. Last evaluated: 2024-10-30. Review status: criteria provided, single submitter. Criteria: Invitae Variant Classification Sherloc (09022015). Collection method: clinical testing. Allele origin: germline.
Comment: This sequence change replaces alanine, which is neutral and non-polar, with serine, which is neutral and polar, at codon 859 of the EGFR protein (p.Ala859Ser). This variant is not present in population databases (gnomAD no frequency). This variant has not been reported in the literature in individuals affected with EGFR-related conditions. ClinVar contains an entry for this variant (Variation ID: 1987003). Invitae Evidence Modeling of protein sequence and biophysical properties (such as structural, functional, and spatial information, amino acid conservation, physicochemical variation, residue mobility, and thermodynamic stability) indicates that this missense variant is not expected to disrupt EGFR protein function with a negative predictive value of 80%. In summary, the available evidence is currently insufficient to determine the role of this variant in disease. Therefore, it has been classified as a Variant of Uncertain Significance.

Genetic Services Laboratory, University of Chicago
Classification: Uncertain significance. Last evaluated: 2022-06-28. Review status: no assertion criteria provided. Collection method: clinical testing. Allele origin: germline. Affected: no. Not counted in ClinVar's aggregate classification.
Comment: DNA sequence analysis of the EGFR gene demonstrated a sequence change, c.2575G>T, in exon 21 that results in an amino acid change, p.Ala859Ser. This sequence change does not appear to have been previously described in individuals with EGFR-related disorders and has also not been described in population databases such as ExAC and gnomAD. The p.Ala859Ser change affects a highly conserved amino acid residue located in a domain of the EGFR protein that is known to be functional. In-silico pathogenicity prediction tools (SIFT, PolyPhen2, Align GVGD, REVEL) provide contradictory results for the p.Ala859Ser substitution. Due to insufficient evidences and the lack of functional studies, the clinical significance of the p.Ala859Ser change remains unknown at this time.

NM_005228.5(EGFR):c.2575G>T (p.Ala859Ser)

Gene: EGFR (epidermal growth factor receptor; plus strand). Cytogenetic location: 7p11.2.
Variant type: single nucleotide variant.
Coding change: c.2575G>T on transcript NM_005228.5 (MANE Select); coding-DNA position 2575, G replaced by T.
Protein change: p.Ala859Ser; replaces alanine 859 with serine.
Molecular consequence: missense variant.
Genome position (GRCh38, 1-based): chr7:55,191,824, G>T. VCF-style: chr7-55191824-G-T. GRCh37 (hg19) VCF-style: chr7-55259517-G-T.
Other names: c.2440G>T, p.Ala814Ser (NM_001346897.2, NM_001346899.2); c.2575G>T, p.Ala859Ser (NM_001346898.2); c.2416G>T, p.Ala806Ser (NM_001346900.2); c.1774G>T, p.Ala592Ser (NM_001346941.2); c.2575G>T (NM_005228.4); short protein forms A592S, A859S, A814S, A806S.
Identifiers: ClinVar variation 1987003 (VCV001987003.7), dbSNP rs2128964620, ClinGen allele CA367580280.
Genomic context (GRCh38, chr7:55,191,824, plus strand): 5'-GCAGCCAGGAACGTACTGGTGAAAACACCGCAGCATGTCAAGATCACAGATTTTGGGCTG[G>T]CCAAACTGCTGGGTGCGGAAGAGAAAGAATACCATGCAGAAGGAGGCAAAGTAAGGAGGT-3'
Protein context (NP_005219.2, residues 849-869): QHVKITDFGL[Ala859Ser]KLLGAEEKEY